The following is an entry in ClinVar:

ClinVar aggregate classification (germline): Uncertain significance (1 of 4 stars; one submission).

Conditions:
Primary ciliary dyskinesia. Also called: Ciliary dyskinesia. Identifiers: Orphanet 244, MedGen C0008780, MONDO:0016575, HP:0012265.

Submission:

Labcorp Genetics (formerly Invitae), Labcorp
Classification: Uncertain significance for Primary ciliary dyskinesia. Last evaluated: 2024-11-11. Review status: criteria provided, single submitter. Criteria: Invitae Variant Classification Sherloc (09022015). Collection method: clinical testing. Allele origin: germline.
Comment: This sequence change replaces arginine, which is basic and polar, with glycine, which is neutral and non-polar, at codon 373 of the ZMYND10 protein (p.Arg373Gly). This variant is not present in population databases (gnomAD no frequency). This variant has not been reported in the literature in individuals affected with ZMYND10-related conditions. ClinVar contains an entry for this variant (Variation ID: 2097186). Invitae Evidence Modeling of protein sequence and biophysical properties (such as structural, functional, and spatial information, amino acid conservation, physicochemical variation, residue mobility, and thermodynamic stability) indicates that this missense variant is not expected to disrupt ZMYND10 protein function with a negative predictive value of 80%. In summary, the available evidence is currently insufficient to determine the role of this variant in disease. Therefore, it has been classified as a Variant of Uncertain Significance.

NM_015896.4(ZMYND10):c.1117C>G (p.Arg373Gly)

Gene: ZMYND10 (zinc finger MYND-type containing 10; minus strand). Cytogenetic location: 3p21.31.
Variant type: single nucleotide variant.
Coding change: c.1117C>G on transcript NM_015896.4 (MANE Select); coding-DNA position 1117, C replaced by G.
Protein change: p.Arg373Gly; replaces arginine 373 with glycine.
Molecular consequence: missense variant.
Genome position (GRCh38, 1-based): chr3:50,341,814, G>C on the plus strand (C>G on the coding strand, the complement: ZMYND10 is on the minus strand). VCF-style: chr3-50341814-G-C. GRCh37 (hg19) VCF-style: chr3-50379245-G-C.
Other names: c.1102C>G, p.Arg368Gly (NM_001308379.2); short protein forms R368G, R373G.
Identifiers: ClinVar variation 2097186 (VCV002097186.4), dbSNP rs746007602, ClinGen allele CA352935322.
Genomic context (GRCh38, chr3:50,341,814, plus strand): 5'-CACATCCATGCCTCCTGCATCCCCTCCACCCTCCCTGCCATTTCCACAGGCCTTACCTTC[G>C]CGCCTGCAGCCGCAGGTCCTGCTCTGAGGGGCTGAACACATGCTGGAGCTGGTGCTTGGC-3'
Protein context (NP_056980.2, residues 363-383): PSEQDLRLQA[Arg373Gly]RWAETYRLDV